The following is an entry in ClinVar:

NM_001005242.3(PKP2):c.343A>G (p.Thr115Ala)

Gene: PKP2 (plakophilin 2; minus strand). Cytogenetic location: 12p11.21.
Variant type: single nucleotide variant.
Coding change: c.343A>G on transcript NM_001005242.3 (MANE Select); coding-DNA position 343, A replaced by G.
Protein change: p.Thr115Ala; replaces threonine 115 with alanine.
Molecular consequence: missense variant.
Genome position (GRCh38, 1-based): chr12:32,878,537, T>C on the plus strand (A>G on the coding strand, the complement: PKP2 is on the minus strand). VCF-style: chr12-32878537-T-C. GRCh37 (hg19) VCF-style: chr12-33031471-T-C.
Other names: c.343A>G, p.Thr115Ala (NM_001407155.1, NM_001407156.1, NM_001407157.1 and 2 more transcripts); c.16A>G, p.Thr6Ala (NM_001407158.1, NM_001407159.1, NM_001407160.1 and 1 more transcripts); short protein forms T115A, T6A.
Identifiers: ClinVar variation 2012981 (VCV002012981.4), dbSNP rs2541343191, ClinGen allele CA384365505.

ClinVar aggregate classification (germline): Uncertain significance (1 of 4 stars; one submission).

Conditions:
Arrhythmogenic right ventricular dysplasia 9 (ARVD9). Also called: Arrhythmogenic Right Ventricular Dysplasia/Cardiomyopathy 9; ARRHYTHMOGENIC RIGHT VENTRICULAR DYSPLASIA, FAMILIAL, 9. Identifiers: MedGen C1836906, MONDO:0012180, OMIM 609040.

Submission:

Labcorp Genetics (formerly Invitae), Labcorp
Classification: Uncertain significance for Arrhythmogenic right ventricular dysplasia 9. Last evaluated: 2022-07-01. Review status: criteria provided, single submitter. Criteria: Invitae Variant Classification Sherloc (09022015). Collection method: clinical testing. Allele origin: germline.
Comment: This variant is not present in population databases (gnomAD no frequency). This sequence change replaces threonine, which is neutral and polar, with alanine, which is neutral and non-polar, at codon 115 of the PKP2 protein (p.Thr115Ala). Algorithms developed to predict the effect of missense changes on protein structure and function output the following: SIFT: "Tolerated"; PolyPhen-2: "Benign"; Align-GVGD: "Class C0". The alanine amino acid residue is found in multiple mammalian species, which suggests that this missense change does not adversely affect protein function. In summary, the available evidence is currently insufficient to determine the role of this variant in disease. Therefore, it has been classified as a Variant of Uncertain Significance. This variant has not been reported in the literature in individuals affected with PKP2-related conditions.